The following is an entry in ClinVar:

NM_000057.4(BLM):c.1373T>C (p.Leu458Pro)

Gene: BLM (BLM RecQ like helicase; plus strand). Cytogenetic location: 15q26.1.
Variant type: single nucleotide variant.
Coding change: c.1373T>C on transcript NM_000057.4 (MANE Select); coding-DNA position 1373, T replaced by C.
Protein change: p.Leu458Pro; replaces leucine 458 with proline.
Molecular consequence: missense variant.
Genome position (GRCh38, 1-based): chr15:90,760,746, T>C. VCF-style: chr15-90760746-T-C. GRCh37 (hg19) VCF-style: chr15-91303976-T-C.
Other names: c.1373T>C, p.Leu458Pro (NM_001287246.2, NM_001287247.2); c.248T>C, p.Leu83Pro (NM_001287248.2); short protein forms L458P, L83P.
Identifiers: ClinVar variation 3384554 (VCV003384554.1).
Genomic context (GRCh38, chr15:90,760,746, plus strand): 5'-CTATGGAGGGTGATTCCTGCCCTACAGGGAATTCTATGAAGGAGTTAAATTTTTCACACC[T>C]TCCCTCAAATTCTGTTTCTCCTGGGGACTGTTTACTGACTACCACCCTAGGAAAGACAGG-3'
Protein context (NP_000048.1, residues 448-468): NSMKELNFSH[Leu458Pro]PSNSVSPGDC

ClinVar aggregate classification (germline): Uncertain significance (1 of 4 stars; one submission).

Submission:

GeneDx
Classification: Uncertain significance. Last evaluated: 2024-06-03. Review status: criteria provided, single submitter. Criteria: GeneDx Variant Classification Process June 2021. Collection method: clinical testing. Allele origin: germline. Affected: yes.
Comment: Not observed at significant frequency in large population cohorts (gnomAD); In silico analysis indicates that this missense variant does not alter protein structure/function; Has not been previously published as pathogenic or benign to our knowledge